The following is an entry in ClinVar:

ClinVar aggregate classification (germline): Uncertain significance (1 of 4 stars; one submission).

gnomAD v4.1: 2 of 1,614,134 alleles (0.00012%); highest among the groups gnomAD compares: Non-Finnish European, 0.00017%; no homozygotes.

Submission:

Women's Health and Genetics/Laboratory Corporation of America, LabCorp
Classification: Uncertain significance. Last evaluated: 2025-05-20. Review status: criteria provided, single submitter. Criteria: LabCorp Variant Classification Summary - May 2015. Collection method: clinical testing. Allele origin: germline.
Comment: Variant summary: GJB2 c.233C>T (p.Ala78Val) results in a non-conservative amino acid change in the encoded protein sequence. Algorithms developed to predict the effect of missense changes on protein structure and function all suggest that this variant is likely to be disruptive. The variant allele was found at a frequency of 4e-06 in 251348 control chromosomes. The available data on variant occurrences in the general population are insufficient to allow any conclusion about variant significance. c.233C>T has been observed in individuals affected with Non-Syndromic Hearing Loss (Qing_2015, Lin_2021). At least one different variant affecting the same codon has been classified as pathogenic by CinVar submitters (c.232G>A, p.Ala78Thr), supporting the critical relevance of codon 78 to GJB2 protein function. To our knowledge, no experimental evidence demonstrating an impact on protein function has been reported. The following publications have been ascertained in the context of this evaluation (PMID: 34325055, 25493717, 36048236). No submitters have cited clinical-significance assessments for this variant to ClinVar. Based on the evidence outlined above, the variant was classified as VUS-possibly pathogenic.

Literature cited by the submitters: PubMed 25493717; PubMed 36048236; PubMed 34325055.

NM_004004.6(GJB2):c.233C>T (p.Ala78Val)

Gene: GJB2 (gap junction protein beta 2; minus strand). Cytogenetic location: 13q12.11.
Variant type: single nucleotide variant.
Coding change: c.233C>T on transcript NM_004004.6 (MANE Select); coding-DNA position 233, C replaced by T.
Protein change: p.Ala78Val; replaces alanine 78 with valine.
Molecular consequence: missense variant.
Genome position (GRCh38, 1-based): chr13:20,189,349, G>A on the plus strand (C>T on the coding strand, the complement: GJB2 is on the minus strand). VCF-style: chr13-20189349-G-A. GRCh37 (hg19) VCF-style: chr13-20763488-G-A.
Other names: short protein forms A78V.
Identifiers: ClinVar variation 3902109 (VCV003902109.1).